The following is an entry in ClinVar:

NM_000038.6(APC):c.3508A>C (p.Lys1170Gln)

Gene: APC (APC regulator of Wnt signaling pathway; plus strand). Cytogenetic location: 5q22.2.
Variant type: single nucleotide variant.
Coding change: c.3508A>C on transcript NM_000038.6 (MANE Select); coding-DNA position 3508, A replaced by C.
Protein change: p.Lys1170Gln; replaces lysine 1170 with glutamine.
Molecular consequence: missense variant.
Genome position (GRCh38, 1-based): chr5:112,839,102, A>C. VCF-style: chr5-112839102-A-C. GRCh37 (hg19) VCF-style: chr5-112174799-A-C.
Other names: c.3508A>C, p.Lys1170Gln (NM_001127510.3, NM_001354895.2); c.3454A>C, p.Lys1152Gln (NM_001127511.3); c.3562A>C, p.Lys1188Gln (NM_001354896.2); c.3538A>C, p.Lys1180Gln (NM_001354897.2); c.3433A>C, p.Lys1145Gln (NM_001354898.2); c.3424A>C, p.Lys1142Gln (NM_001354899.2); c.3385A>C, p.Lys1129Gln (NM_001354900.2); c.3331A>C, p.Lys1111Gln (NM_001354901.2); and 5 more; short protein forms K1010Q, K1044Q, K1069Q, K1079Q, K1111Q, K1129Q, K1142Q, K1145Q.
Identifiers: ClinVar variation 1053012 (VCV001053012.48), dbSNP rs2149893384, ClinGen allele CA16029038.
Genomic context (GRCh38, chr5:112,839,102, plus strand): 5'-GAAGAACAGCATGAAGAAGAAGAGAGACCAACAAATTATAGCATAAAATATAATGAAGAG[A>C]AACGTCATGTGGATCAGCCTATTGATTATAGTTTAAAATATGCCACAGATATTCCTTCAT-3'
Protein context (NP_000029.2, residues 1160-1180): TNYSIKYNEE[Lys1170Gln]RHVDQPIDYS

ClinVar aggregate classification (germline): Uncertain significance (1 of 4 stars; one submission).

Conditions:
Familial adenomatous polyposis 1 (FAP1). Also called: POLYPOSIS, ADENOMATOUS INTESTINAL; FAMILIAL ADENOMATOUS POLYPOSIS 1, ATTENUATED. Identifiers: MedGen C2713442, MONDO:0021056, OMIM 175100. Disease mechanism: loss of function.

Submission:

Labcorp Genetics (formerly Invitae), Labcorp
Classification: Uncertain significance for Familial adenomatous polyposis 1. Last evaluated: 2020-01-18. Review status: criteria provided, single submitter. Criteria: Invitae Variant Classification Sherloc (09022015). Collection method: clinical testing. Allele origin: germline.
Comment: In summary, the available evidence is currently insufficient to determine the role of this variant in disease. Therefore, it has been classified as a Variant of Uncertain Significance. Algorithms developed to predict the effect of missense changes on protein structure and function (SIFT, PolyPhen-2, Align-GVGD) all suggest that this variant is likely to be tolerated, but these predictions have not been confirmed by published functional studies and their clinical significance is uncertain. This variant has not been reported in the literature in individuals with APC-related conditions. This variant is not present in population databases (ExAC no frequency). This sequence change replaces lysine with glutamine at codon 1170 of the APC protein (p.Lys1170Gln). The lysine residue is moderately conserved and there is a small physicochemical difference between lysine and glutamine.